The following is an entry in ClinVar:

NM_005477.3(HCN4):c.458A>G (p.Glu153Gly)

Gene: HCN4 (hyperpolarization activated cyclic nucleotide gated potassium channel 4; minus strand). Cytogenetic location: 15q24.1.
Variant type: single nucleotide variant.
Coding change: c.458A>G on transcript NM_005477.3 (MANE Select); coding-DNA position 458, A replaced by G.
Protein change: p.Glu153Gly; replaces glutamic acid 153 with glycine.
Molecular consequence: missense variant.
Genome position (GRCh38, 1-based): chr15:73,367,813, T>C on the plus strand (A>G on the coding strand, the complement: HCN4 is on the minus strand). VCF-style: chr15-73367813-T-C. GRCh37 (hg19) VCF-style: chr15-73660154-T-C.
Other names: p.Glu153Gly; short protein forms E153G.
Identifiers: ClinVar variation 180370 (VCV000180370.100), dbSNP rs560874115, ClinGen allele CA238824.

ClinVar aggregate classification (germline): Conflicting classifications of pathogenicity. Review status: criteria provided, conflicting classifications (1 of 4 stars). 19 submissions from 19 submitters: Uncertain significance (3); Benign (3); Likely benign (7). 6 of the submissions do not count toward it. Last evaluated 2026-05-01.

Conditions:
Sick sinus syndrome 2, autosomal dominant (SSS2). Also called: SICK SINUS SYNDROME 2; SICK SINUS SYNDROME 2 WITH OR WITHOUT CARDIAC NONCOMPACTION AND/OR ASCENDING AORTA DILATION; ATRIAL FIBRILLATION WITH BRADYARRHYTHMIA; SINUS BRADYCARDIA SYNDROME, FAMILIAL, AUTOSOMAL DOMINANT; SINUS NODE DISEASE, FAMILIAL, AUTOSOMAL DOMINANT. Identifiers: Orphanet 166282, MedGen C1834144, MONDO:0008102, OMIM 163800.
Brugada syndrome 8 (BRGDA8). Identifiers: Orphanet 130, MedGen C2751083, MONDO:0013148, OMIM 613123.
Epilepsy, idiopathic generalized, susceptibility to, 18. Identifiers: MedGen C5561983, MONDO:0030434, OMIM 619521.
HCN4-related disorder. Also called: HCN4-related condition.
Cardiovascular phenotype. Identifiers: MedGen CN230736.
Primary dilated cardiomyopathy (DCM). Also called: Dilated Cardiomyopathy. Identifiers: Orphanet 217604, MedGen C0007193, MeSH D002311, MONDO:0005021, HP:0001644. Inheritance: Various modes of inheritance.
Cardiomyopathy (CMYO). Also called: Cardiomyopathies. Identifiers: Orphanet 167848, MedGen C0878544, MONDO:0004994, HP:0001638. Inheritance: Various modes of inheritance.

Allele frequency attached by ClinVar (database versions not stated): ExAC below 0.00001; 1000 Genomes Project 0.00020; 1000 Genomes Project 30x 0.00031; TOPMed 0.00143; gnomAD exomes 0.00206 and 0.00304; gnomAD 0.00144 and 0.00149.
gnomAD v4.1: 3,474 of 1,237,616 alleles (0.28%); highest among the groups gnomAD compares: Non-Finnish European, 0.33%; 7 homozygotes.

Submissions (19):

CeGaT Center for Human Genetics Tuebingen
Classification: Benign. Last evaluated: 2026-05-01. Review status: criteria provided, single submitter. Criteria: CeGaT Center For Human Genetics Tuebingen Variant Classification Criteria Version 2. Collection method: clinical testing. Allele origin: germline. Affected: yes. Observed: 2 variant alleles.
Comment: HCN4: PP3, BS1, BS2

Women's Health and Genetics/Laboratory Corporation of America, LabCorp
Classification: Likely benign. Last evaluated: 2026-03-03. Review status: criteria provided, single submitter. Criteria: LabCorp Variant Classification Summary - May 2015. Collection method: clinical testing. Allele origin: germline.
Comment: Variant summary: HCN4 c.458A>G (p.Glu153Gly) results in a non-conservative amino acid change in the encoded protein sequence. Algorithms developed to predict the effect of missense changes on protein structure and function are either unavailable or do not agree on the potential impact of this missense change. The variant allele was found at a frequency of 0.0028 in 1237616 control chromosomes in the gnomAD database, including 7 homozygotes. The observed variant frequency exceeds the estimated maximal expected allele frequency for disease-causing variants in HCN4. To our knowledge, no occurrence of c.458A>G in individuals affected with HCN4-related conditions and no experimental evidence demonstrating its impact on protein function have been reported. ClinVar contains an entry for this variant (Variation ID: 180370). Based on the evidence outlined above, the variant was classified as likely benign.

Labcorp Genetics (formerly Invitae), Labcorp
Classification: Likely benign for Brugada syndrome 8. Last evaluated: 2026-02-03. Review status: criteria provided, single submitter. Criteria: Invitae Variant Classification Sherloc (09022015). Collection method: clinical testing. Allele origin: germline.

Dasa
Classification: Benign. Last evaluated: 2025-11-04. Review status: criteria provided, single submitter. Criteria: DASA Assertion Criteria. Collection method: clinical testing. Allele origin: germline.
Comment: NM_005477.3(HCN4):c.458A>G (p.Glu153Gly) is interpreted as benign based on a combination of available evidence, including population frequency, and observations in unaffected individuals. Based on the available data, this variant is classified as benign.

Molecular Diagnostic Laboratory for Inherited Cardiovascular Disease, Montreal Heart Institute
Classification: Likely benign. Last evaluated: 2025-04-09. Review status: criteria provided, single submitter. Criteria: ACMG Guidelines, 2015. Collection method: clinical testing. Allele origin: germline. Affected: no.

Blueprint Genetics
Classification: Likely benign. Last evaluated: 2024-11-25. Review status: criteria provided, single submitter. Criteria: ACMG Guidelines, 2015. Collection method: clinical testing. Allele origin: germline.

Mayo Clinic Laboratories, Mayo Clinic
Classification: Benign. Last evaluated: 2024-05-09. Review status: criteria provided, single submitter. Criteria: ACMG Guidelines, 2015. Collection method: clinical testing. Allele origin: germline. Observed: 7 variant alleles.
Comment: BS1, BS2, BS4_supporting, BP4, PS3_supporting

GeneDx
Classification: Likely benign. Last evaluated: 2021-05-28. Review status: criteria provided, single submitter. Criteria: GeneDx Variant Classification Process June 2021. Collection method: clinical testing. Allele origin: germline. Affected: yes.
Comment: This variant is associated with the following publications: (PMID: 29588962, 28341588, 30847666)

Center for Advanced Laboratory Medicine, UC San Diego Health, University of California San Diego
Classification: Likely benign for Dilated cardiomyopathy; Cardiomyopathy. Last evaluated: 2019-06-11. Review status: criteria provided, single submitter. Criteria: ACMG Guidelines, 2015. Collection method: clinical testing. Allele origin: germline. Affected: yes. Observed: 3 variant alleles.

Eurofins Ntd Llc (ga)
Classification: Uncertain significance. Last evaluated: 2018-09-13. Review status: criteria provided, single submitter. Criteria: EGL ClinVar v180209 classification definitions. Collection method: clinical testing. Allele origin: germline. Observed: 3 variant alleles, 3 heterozygotes.

Ambry Genetics
Classification: Likely benign for Cardiovascular phenotype. Last evaluated: 2018-07-22. Review status: criteria provided, single submitter. Criteria: Ambry Variant Classification Scheme 2023. Collection method: clinical testing. Allele origin: germline.

Illumina Laboratory Services, Illumina
Classification: Uncertain significance for Sick sinus syndrome 2, autosomal dominant. Last evaluated: 2018-01-13. Review status: criteria provided, single submitter. Criteria: ICSL Variant Classification Criteria 13 December 2019. Collection method: clinical testing. Allele origin: germline.

Center for Genomics, Ann and Robert H. Lurie Children's Hospital of Chicago
Classification: Uncertain significance for Sick sinus syndrome 2, autosomal dominant; Epilepsy, idiopathic generalized, susceptibility to, 18; Brugada syndrome 8. Review status: criteria provided, single submitter. Criteria: ACMG Guidelines, 2015. Collection method: clinical testing. Allele origin: germline.
Comment: HCN4 NM_005477.2 exon 1 p.Glu153Gly (c.458A>G): This variant has been reported in the literature in one individual with genearlized epilepsy and in one individual with unspecified cardiac arrhythmia (Becker 2017 PMID:29588962, Proost 2017 PMID:28341588). This variant did not segregate with disease in at least four affected family members with epilepsy (Becker 2017 PMID:29588962). This variant is present in 0.1% (31/14734) of European alleles in the Genome Aggregation Database. This variant is present in ClinVar (Variation ID:180370). This variant amino acid Glycine (Gly) is present in several bird and fish species and is not well conserved among evolutionarily distant species; this suggests that this variant may not impact the protein. Additional computational prediction tools do not suggest an impact. However, an in vitro functional study using voltage clamp anaylsis does predict that this variant will impact the protein by causing a hyperpolarizing shift in activation and reduced current amplitudes (Becker 2017 PMID:29588962). However, this study may not accurately represent in vivo biological function. In summary, data on this variant is insufficient for disease classification. Therefore, the clinical significance of this variant is uncertain.

PreventionGenetics, part of Exact Sciences
Classification: Likely benign for HCN4-related condition. Last evaluated: 2022-04-28. Review status: no assertion criteria provided. Collection method: clinical testing. Allele origin: germline. Not counted in ClinVar's aggregate classification.
Comment: This variant is classified as likely benign based on ACMG/AMP sequence variant interpretation guidelines (Richards et al. 2015 PMID: 25741868, with internal and published modifications).

Clinical Genetics DNA and cytogenetics Diagnostics Lab, Erasmus MC, Erasmus Medical Center
Classification: Likely benign. Review status: no assertion criteria provided. Collection method: clinical testing. Allele origin: germline. Affected: yes. Study: VKGL Data-share Consensus. Not counted in ClinVar's aggregate classification.

Clinical Genetics, Academic Medical Center
Classification: Likely benign. Review status: no assertion criteria provided. Collection method: clinical testing. Allele origin: germline. Affected: yes. Study: VKGL Data-share Consensus. Not counted in ClinVar's aggregate classification.

Diagnostic Laboratory, Department of Genetics, University Medical Center Groningen
Classification: Likely benign. Review status: no assertion criteria provided. Collection method: clinical testing. Allele origin: germline. Affected: yes. Study: VKGL Data-share Consensus. Not counted in ClinVar's aggregate classification.

Genome Diagnostics Laboratory, University Medical Center Utrecht
Classification: Likely benign. Review status: no assertion criteria provided. Collection method: clinical testing. Allele origin: germline. Affected: yes. Study: VKGL Data-share Consensus. Not counted in ClinVar's aggregate classification.

Joint Genome Diagnostic Labs from Nijmegen and Maastricht, Radboudumc and MUMC+
Classification: Likely benign. Review status: no assertion criteria provided. Collection method: clinical testing. Allele origin: germline. Affected: yes. Study: VKGL Data-share Consensus. Not counted in ClinVar's aggregate classification.

Literature cited by the submitters: PubMed 29588962 (cited by Mayo Clinic Laboratories, Mayo Clinic); PubMed 30847666 (cited by Mayo Clinic Laboratories, Mayo Clinic); PubMed 28341588 (cited by Ambry Genetics).